The following is an entry in ClinVar:

ClinVar aggregate classification (germline): Uncertain significance. Review status: criteria provided, multiple submitters, no conflicts (2 of 4 stars). 2 submissions from 2 submitters: Uncertain significance (2). Last evaluated 2024-10-01.

Conditions:
Renal tubular dysgenesis of genetic origin. Also called: PRIMITIVE RENAL TUBULE SYNDROME. Identifiers: Orphanet 97369, MedGen C5681536, MONDO:0009970, OMIM 267430.
Hemorrhage, intracerebral, susceptibility to (ICH). Also called: Stroke, hemorrhagic, susceptibility to. Identifiers: MedGen C3281105, MONDO:0100533, OMIM 614519.
Microvascular complications of diabetes, susceptibility to, 3. Identifiers: MedGen C2675470, MONDO:0012963, OMIM 612624.

gnomAD v4.1: 6 of 1,612,956 alleles (0.00037%); highest among the groups gnomAD compares: South Asian, 0.0033%; no homozygotes.

Submissions (2):

CeGaT Center for Human Genetics Tuebingen
Classification: Uncertain significance. Last evaluated: 2024-10-01. Review status: criteria provided, single submitter. Criteria: CeGaT Center For Human Genetics Tuebingen Variant Classification Criteria Version 2. Collection method: clinical testing. Allele origin: germline. Affected: yes. Observed: 1 variant allele.
Comment: ACE: PM2, BP4

Fulgent Genetics
Classification: Uncertain significance for Renal tubular dysgenesis of genetic origin; Microvascular complications of diabetes, susceptibility to, 3; Hemorrhage, intracerebral, susceptibility to. Last evaluated: 2024-02-28. Review status: criteria provided, single submitter. Criteria: ACMG Guidelines, 2015. Collection method: clinical testing. Allele origin: germline.

NM_000789.4(ACE):c.602A>C (p.Lys201Thr)

Gene: ACE (angiotensin I converting enzyme; plus strand). Cytogenetic location: 17q23.3.
Variant type: single nucleotide variant.
Coding change: c.602A>C on transcript NM_000789.4 (MANE Select); coding-DNA position 602, A replaced by C.
Protein change: p.Lys201Thr; replaces lysine 201 with threonine.
Molecular consequence: missense variant. On other transcripts: intron variant (2).
Genome position (GRCh38, 1-based): chr17:63,479,859, A>C. VCF-style: chr17-63479859-A-C. GRCh37 (hg19) VCF-style: chr17-61557220-A-C.
Other names: c.-197-478A>C (NM_001382701.1); c.183-478A>C (NM_001382700.1); short protein forms K201T.
Identifiers: ClinVar variation 3389019 (VCV003389019.15).